The following is an entry in ClinVar:

NM_004456.5(EZH2):c.1639T>G (p.Phe547Val)

Gene: EZH2 (enhancer of zeste 2 polycomb repressive complex 2 subunit; minus strand). Cytogenetic location: 7q36.1.
Variant type: single nucleotide variant.
Coding change: c.1639T>G on transcript NM_004456.5 (MANE Select); coding-DNA position 1639, T replaced by G.
Protein change: p.Phe547Val; replaces phenylalanine 547 with valine.
Molecular consequence: missense variant. On other transcripts: intron variant (1).
Genome position (GRCh38, 1-based): chr7:148,814,947, A>C on the plus strand (T>G on the coding strand, the complement: EZH2 is on the minus strand). VCF-style: chr7-148814947-A-C. GRCh37 (hg19) VCF-style: chr7-148512039-A-C.
Other names: c.1507T>G, p.Phe503Val (NM_152998.3); c.1504+559T>G (NM_001203249.2); c.1624T>G, p.Phe542Val (NM_001203247.2); c.1597T>G, p.Phe533Val (NM_001203248.2); short protein forms F503V, F533V, F542V, F547V.
Identifiers: ClinVar variation 4540375 (VCV004540375.1).
Genomic context (GRCh38, chr7:148,814,947, plus strand): 5'-AATTGCATCAAAGCAACAAATACTTACACTCTGAACTACATTGACAAAACTTTTCACAAA[A>C]ATTTTGTGCTATCACACAAGGGCACGAACTGTCACAAGGCTGCCGTGGATGATCACAGGG-3'
Protein context (NP_004447.2, residues 537-557): SSCPCVIAQN[Phe547Val]CEKFCQCSSE

ClinVar aggregate classification (germline): Uncertain significance (1 of 4 stars; one submission).

gnomAD v4.1: 1 of 1,613,482 alleles (0.000062%); highest among the groups gnomAD compares: Non-Finnish European, 0.000085%; no homozygotes.

Submission:

GeneDx
Classification: Uncertain significance. Last evaluated: 2025-06-27. Review status: criteria provided, single submitter. Criteria: GeneDx Variant Classification Process June 2021. Collection method: clinical testing. Allele origin: germline. Affected: yes.
Comment: Not observed at significant frequency in large population cohorts (gnomAD); In silico analysis supports that this missense variant has a deleterious effect on protein structure/function; Has not been previously published as pathogenic or benign to our knowledge